The following is an entry in ClinVar:

ClinVar aggregate classification (germline): Uncertain significance (1 of 4 stars; one submission).

Conditions:
Immunodeficiency 104. Also called: Severe combined immunodeficiency, autosomal recessive, T cell-negative, B cell-positive, NK cell-positive; IMMUNODEFICIENCY 104, SEVERE COMBINED; SCID, AUTOSOMAL RECESSIVE, T CELL-NEGATIVE, B CELL-POSITIVE, NK CELL-POSITIVE; Severe Combined Immune Deficiency, Autosomal Recessive, TCell -Negative, B Cell-Positive, NK Cell-Positive, IL7R-Related. Identifiers: MedGen C5676890, MONDO:0012163, OMIM 608971.

Submission:

Labcorp Genetics (formerly Invitae), Labcorp
Classification: Uncertain significance for Immunodeficiency 104. Last evaluated: 2022-08-21. Review status: criteria provided, single submitter. Criteria: Invitae Variant Classification Sherloc (09022015). Collection method: clinical testing. Allele origin: germline.
Comment: In summary, the available evidence is currently insufficient to determine the role of this variant in disease. Therefore, it has been classified as a Variant of Uncertain Significance. Algorithms developed to predict the effect of missense changes on protein structure and function (SIFT, PolyPhen-2, Align-GVGD) all suggest that this variant is likely to be disruptive. This variant has not been reported in the literature in individuals affected with PTPRC-related conditions. This variant is not present in population databases (gnomAD no frequency). This sequence change replaces glutamic acid, which is acidic and polar, with glycine, which is neutral and non-polar, at codon 917 of the PTPRC protein (p.Glu917Gly).

NM_002838.5(PTPRC):c.2750A>G (p.Glu917Gly)

Gene: PTPRC (protein tyrosine phosphatase receptor type C; plus strand). Cytogenetic location: 1q32.1.
Variant type: single nucleotide variant.
Coding change: c.2750A>G on transcript NM_002838.5 (MANE Select); coding-DNA position 2750, A replaced by G.
Protein change: p.Glu917Gly; replaces glutamic acid 917 with glycine.
Molecular consequence: missense variant.
Genome position (GRCh38, 1-based): chr1:198,744,106, A>G. VCF-style: chr1-198744106-A-G. GRCh37 (hg19) VCF-style: chr1-198713235-A-G.
Other names: c.2267A>G, p.Glu756Gly (NM_080921.4); short protein forms E756G, E917G.
Identifiers: ClinVar variation 1717249 (VCV001717249.6), dbSNP rs2528003627, ClinGen allele CA344051488.